The following is an entry in ClinVar:

NM_001319206.4(MEF2A):c.1311_1331del (p.Gln438_Pro444del)

Gene: MEF2A (myocyte enhancer factor 2A; plus strand). Cytogenetic location: 15q26.3.
Variant type: Deletion.
Coding change: c.1311_1331del on transcript NM_001319206.4 (MANE Select); coding-DNA positions 1311 to 1331, 21 bases deleted (ACAACCCCCGCAGCCCCAGCC).
Protein change: p.Gln438_Pro444del.
Genome position (GRCh38, 1-based): chr15:99,712,564-99,712,584, ACAACCCCCGCAGCCCCAGCC deleted; deleting any 21 consecutive bases within chr15:99,712,550-99,712,584 gives the same sequence; the c. name uses the placement nearest the transcript's 3' end. VCF-style (leftmost placement, unchanged base first): chr15-99712549-ACCGCAGCCCCAGCCACAACCC-A. GRCh37 (hg19) VCF-style: chr15-100252754-ACCGCAGCCCCAGCCACAACCC-A.
Other names: c.1287_1307del, p.Gln430_Pro436del (NM_001130926.5, NM_001171894.5, NM_001352614.4 and 15 more transcripts); c.1107_1127del, p.Gln370_Pro376del (NM_001130927.5, NM_001365209.3); c.1083_1103del, p.Gln362_Pro368del (NM_001130928.4, NM_001393559.2); c.1311_1331del, p.Gln438_Pro444del (NM_001352616.4, NM_001365205.3, NM_001400031.1 and 5 more transcripts); c.1293_1313del, p.Gln432_Pro438del (NM_001352617.4, NM_001365207.3, NM_001400038.1 and 8 more transcripts); c.1305_1325del, p.Gln436_Pro442del (NM_001352618.4, NM_001365206.3, NM_001400037.1); c.1329_1349del, p.Gln444_Pro450del (NM_001365201.3, NM_001365202.3); c.1317_1337del, p.Gln440_Pro446del (NM_001365203.3, NM_001365204.3, NM_001400029.1 and 1 more transcripts); and 6 more.
Identifiers: ClinVar variation 3770847 (VCV003770847.14).

ClinVar aggregate classification (germline): Conflicting classifications of pathogenicity. Review status: criteria provided, conflicting classifications (1 of 4 stars). 2 submissions from 2 submitters: Uncertain significance (1); Benign (1). Last evaluated 2024-12-01.

Conditions:
Coronary artery disease, autosomal dominant, 1 (ADCAD1). Also called: CORONARY ARTERY DISEASE WITH MYOCARDIAL INFARCTION. Identifiers: MedGen C1842247, MONDO:0012011, OMIM 608320.

Submissions (2):

CeGaT Center for Human Genetics Tuebingen
Classification: Benign. Last evaluated: 2024-12-01. Review status: criteria provided, single submitter. Criteria: CeGaT Center For Human Genetics Tuebingen Variant Classification Criteria Version 2. Collection method: clinical testing. Allele origin: germline. Affected: yes. Observed: 1 variant allele.
Comment: MEF2A: BS1, BS2

Juno Genomics, Hangzhou Juno Genomics, Inc
Classification: Uncertain significance for Coronary artery disease, autosomal dominant, 1. Review status: criteria provided, single submitter. Criteria: ACMG Guidelines, 2015. Collection method: clinical testing. Allele origin: germline.
Comment: Absent from controls (or at extremely low frequency if recessive) in Genome Aggregation Database.;Protein length changes due to in-frame deletions/insertions in a non-repeat region or stop-loss variants.